The following is an entry in ClinVar:

NM_004530.6(MMP2):c.436C>T (p.Arg146Cys)

Gene: MMP2 (matrix metallopeptidase 2; plus strand). Cytogenetic location: 16q12.2.
Variant type: single nucleotide variant.
Coding change: c.436C>T on transcript NM_004530.6 (MANE Select); coding-DNA position 436, C replaced by T.
Protein change: p.Arg146Cys; replaces arginine 146 with cysteine.
Molecular consequence: missense variant.
Genome position (GRCh38, 1-based): chr16:55,484,071, C>T. VCF-style: chr16-55484071-C-T. GRCh37 (hg19) VCF-style: chr16-55517983-C-T.
Other names: c.286C>T, p.Arg96Cys (NM_001127891.3); c.208C>T, p.Arg70Cys (NM_001302508.1, NM_001302509.2, NM_001302510.2); short protein forms R146C, R70C, R96C.
Identifiers: ClinVar variation 1501255 (VCV001501255.7), dbSNP rs1351967941, ClinGen allele CA395931956.

ClinVar aggregate classification (germline): Uncertain significance (1 of 4 stars; one submission).

Allele frequency attached by ClinVar (database versions not stated): gnomAD exomes 0.00001; TOPMed 0.00002; gnomAD 0.00003.
gnomAD v4.1: 19 of 1,614,050 alleles (0.0012%); highest among the groups gnomAD compares: African/African-American, 0.004%; no homozygotes.

Submission:

Labcorp Genetics (formerly Invitae), Labcorp
Classification: Uncertain significance. Last evaluated: 2021-07-03. Review status: criteria provided, single submitter. Criteria: Invitae Variant Classification Sherloc (09022015). Collection method: clinical testing. Allele origin: germline.
Comment: This sequence change replaces arginine with cysteine at codon 146 of the MMP2 protein (p.Arg146Cys). The arginine residue is highly conserved and there is a large physicochemical difference between arginine and cysteine. This variant is not present in population databases (ExAC no frequency). This variant has not been reported in the literature in individuals affected with MMP2-related conditions. Algorithms developed to predict the effect of missense changes on protein structure and function are either unavailable or do not agree on the potential impact of this missense change (SIFT: "Deleterious"; PolyPhen-2: "Probably Damaging"; Align-GVGD: "Class C15"). In summary, the available evidence is currently insufficient to determine the role of this variant in disease. Therefore, it has been classified as a Variant of Uncertain Significance.